The following is an entry in ClinVar:

NM_001142800.2(EYS):c.9392G>C (p.Gly3131Ala)

Genes: EYS (EGF-like photoreceptor maintenance factor; minus strand), PHF3 (PHD finger protein 3; plus strand). Cytogenetic location: 6q12.
Variant type: single nucleotide variant.
Coding change: c.9392G>C on transcript NM_001142800.2 (MANE Select); coding-DNA position 9392, G replaced by C.
Protein change: p.Gly3131Ala; replaces glycine 3131 with alanine.
Molecular consequence: missense variant. On other transcripts: 3 prime UTR variant (5).
Genome position (GRCh38, 1-based): chr6:63,720,639, C>G on the plus strand (G>C on the coding strand, the complement: EYS is on the minus strand). VCF-style: chr6-63720639-C-G. GRCh37 (hg19) VCF-style: chr6-64430535-C-G.
Other names: c.*6931C>G (NM_001290259.2, NM_001370348.2, NM_001370349.2 and 2 more transcripts); c.9455G>C, p.Gly3152Ala (NM_001292009.2); short protein forms G3131A, G3152A.
Identifiers: ClinVar variation 444685 (VCV000444685.65), dbSNP rs772888249, ClinGen allele CA3876667.

ClinVar aggregate classification (germline): Conflicting classifications of pathogenicity. Review status: criteria provided, conflicting classifications (1 of 4 stars). 12 submissions from 12 submitters: Pathogenic (4); Likely pathogenic (2); Uncertain significance (5). 1 of the submissions does not count toward it. Last evaluated 2026-02-16.

Conditions:
Retinitis pigmentosa (RP). Identifiers: Orphanet 791, MedGen C0035334, MeSH D012174, MONDO:0019200, OMIM 268000. Inheritance: Autosomal dominant, autosomal recessive and X linked inheritance.
Autosomal recessive retinitis pigmentosa. Identifiers: MedGen C0339526.
EYS-related disorder. Also called: EYS-related condition.
Retinitis pigmentosa 25 (RP25). Identifiers: Orphanet 791, MedGen C1864446, MONDO:0011272, OMIM 602772.

Allele frequency attached by ClinVar (database versions not stated): gnomAD 0.00005 and 0.00006; gnomAD exomes 0.00006; TOPMed 0.00006; ExAC 0.00008.
gnomAD v4.1: 70 of 1,521,294 alleles (0.0046%); highest among the groups gnomAD compares: Middle Eastern, 0.034%; no homozygotes.

Submissions (12):

Women's Health and Genetics/Laboratory Corporation of America, LabCorp
Classification: Pathogenic for Retinitis pigmentosa. Last evaluated: 2026-02-16. Review status: criteria provided, single submitter. Criteria: LabCorp Variant Classification Summary - May 2015. Collection method: clinical testing. Allele origin: germline.
Comment: Variant summary: EYS c.9392G>C (p.Gly3131Ala) results in a non-conservative amino acid change located in the Laminin G domain (IPR001791) of the encoded protein sequence. Algorithms developed to predict the effect of missense changes on protein structure and function all suggest that this variant is likely to be disruptive. The variant allele was found at a frequency of 5.9e-05 in 134594 control chromosomes (gnomAD). c.9392G>C has been reported in the literature in homozygous and compound heterozygous individuals affected with Retinitis Pigmentosa (Sharon_2020, Weisschuh_2020, Soares_2023, Bianco_2023, internal data). These data indicate that the variant is very likely to be associated with disease. To our knowledge, no experimental evidence demonstrating an impact on protein function has been reported. The following publications have been ascertained in the context of this evaluation (PMID: 38088826, 31456290, 36764454, 32531858). ClinVar contains an entry for this variant (Variation ID: 444685). Based on the evidence outlined above, the variant was classified as pathogenic.

Labcorp Genetics (formerly Invitae), Labcorp
Classification: Pathogenic. Last evaluated: 2025-12-23. Review status: criteria provided, single submitter. Criteria: Invitae Variant Classification Sherloc (09022015). Collection method: clinical testing. Allele origin: germline.
Comment: This sequence change replaces glycine, which is neutral and non-polar, with alanine, which is neutral and non-polar, at codon 3131 of the EYS protein (p.Gly3131Ala). This variant is present in population databases (rs772888249, gnomAD 0.01%). This missense change has been observed in individual(s) with EYS-related conditions (PMID: 31456290, 32531858, 36764454; internal data). In at least one individual the data is consistent with being in trans (on the opposite chromosome) from a pathogenic variant. ClinVar contains an entry for this variant (Variation ID: 444685). Invitae Evidence Modeling of protein sequence and biophysical properties (such as structural, functional, and spatial information, amino acid conservation, physicochemical variation, residue mobility, and thermodynamic stability) indicates that this missense variant is expected to disrupt EYS protein function with a positive predictive value of 80%. This variant disrupts the p.Gly3131 amino acid residue in EYS. Other variant(s) that disrupt this residue have been observed in individuals with EYS-related conditions (PMID: 33576794), which suggests that this may be a clinically significant amino acid residue. For these reasons, this variant has been classified as Pathogenic.

Dasa
Classification: Uncertain significance. Last evaluated: 2025-05-29. Review status: criteria provided, single submitter. Criteria: DASA Assertion Criteria. Collection method: clinical testing. Allele origin: germline.
Comment: NM_001142800.2(EYS):c.9392G>C (p.Gly3131Ala) is a missense variant that results in the substitution of glycine with alanine. This variant has been observed in affected individuals with EYS-related disorders. Also, this variant is rare in population databases. The currently available literature and clinical evidence are not sufficient to establish a definitive association between this variant and the reported condition. Therefore, this variant is classified as a variant of uncertain significance.

CeGaT Center for Human Genetics Tuebingen
Classification: Likely pathogenic. Last evaluated: 2024-07-01. Review status: criteria provided, single submitter. Criteria: CeGaT Center For Human Genetics Tuebingen Variant Classification Criteria Version 2. Collection method: clinical testing. Allele origin: germline. Affected: yes. Observed: 5 variant alleles.
Comment: EYS: PM3:Strong, PM2

Blueprint Genetics
Classification: Pathogenic for EYS-related disorders. Last evaluated: 2024-06-17. Review status: criteria provided, single submitter. Criteria: ACMG Guidelines, 2015. Collection method: clinical testing. Allele origin: germline. Affected: yes. Observed: 5 variant alleles.

Baylor Genetics
Classification: Likely pathogenic for Retinitis pigmentosa 25. Last evaluated: 2024-03-26. Review status: criteria provided, single submitter. Criteria: ACMG Guidelines, 2015. Collection method: clinical testing. Allele origin: unknown.

Mendelics
Classification: Uncertain significance. Last evaluated: 2022-05-04. Review status: criteria provided, single submitter. Criteria: Mendelics Assertion Criteria 2019. Collection method: clinical testing. Allele origin: germline.

Pars Genome Lab
Classification: Uncertain significance for Retinitis pigmentosa 25. Last evaluated: 2021-05-18. Review status: criteria provided, single submitter. Criteria: ACMG Guidelines, 2015. Collection method: clinical testing. Allele origin: germline. Affected: no.

Ocular Genomics Institute, Massachusetts Eye and Ear
Classification: Uncertain significance for Retinitis pigmentosa 25. Last evaluated: 2021-04-08. Review status: criteria provided, single submitter. Criteria: ACMG Guidelines, 2015. Collection method: research. Allele origin: germline. Affected: yes.
Comment: Through a review of available evidence we were able to apply the following criteria: PM2, PM3-P. Based on this evidence we have classified this variant as Variant of Uncertain Significance.

Molecular Genetics Laboratory, Institute for Ophthalmic Research
Classification: Pathogenic for Retinitis pigmentosa. Last evaluated: 2020-01-09. Review status: criteria provided, single submitter. Criteria: ACMG Guidelines, 2015. Collection method: research. Allele origin: germline. Affected: yes.

Illumina Laboratory Services, Illumina
Classification: Uncertain significance for Retinitis pigmentosa. Last evaluated: 2018-01-13. Review status: criteria provided, single submitter. Criteria: ICSL Variant Classification Criteria 13 December 2019. Collection method: clinical testing. Allele origin: germline.

Natera, Inc.
Classification: Uncertain significance for Autosomal recessive retinitis pigmentosa. Last evaluated: 2020-09-16. Review status: no assertion criteria provided. Collection method: clinical testing. Allele origin: germline. Not counted in ClinVar's aggregate classification.

Literature cited by the submitters: PubMed 31456290 (cited by Women's Health and Genetics/Laboratory Corporation of America, LabCorp and Labcorp Genetics (formerly Invitae), Labcorp); PubMed 32531858 (cited by Women's Health and Genetics/Laboratory Corporation of America, LabCorp and Labcorp Genetics (formerly Invitae), Labcorp); PubMed 36764454 (cited by Women's Health and Genetics/Laboratory Corporation of America, LabCorp and Labcorp Genetics (formerly Invitae), Labcorp); PubMed 38088826 (cited by Women's Health and Genetics/Laboratory Corporation of America, LabCorp); PubMed 33576794 (cited by Labcorp Genetics (formerly Invitae), Labcorp).